The following is an entry in ClinVar:

ClinVar aggregate classification (germline): Benign. Review status: criteria provided, multiple submitters, no conflicts (2 of 4 stars). 3 submissions from 3 submitters: Benign (2). 1 of the submissions does not count toward it. Last evaluated 2026-01-25.

Conditions:
DNAH9-related disorder. Also called: DNAH9-related condition.

Allele frequency attached by ClinVar (database versions not stated): gnomAD exomes 0.00127 and 0.00365; ExAC 0.00454; gnomAD 0.01451 and 0.01339; TOPMed 0.01577; ESP Exome Variant Server 0.01630; 1000 Genomes Project 30x 0.01374; 1000 Genomes Project 0.01398.
gnomAD v4.1: 3,959 of 1,614,082 alleles (0.25%); highest among the groups gnomAD compares: African/African-American, 4.7%; 92 homozygotes.

Submissions (3):

Labcorp Genetics (formerly Invitae), Labcorp
Classification: Benign. Last evaluated: 2026-01-25. Review status: criteria provided, single submitter. Criteria: Invitae Variant Classification Sherloc (09022015). Collection method: clinical testing. Allele origin: germline.

Breakthrough Genomics
Classification: Benign. Review status: criteria provided, single submitter. Criteria: ACMG Guidelines, 2015. Collection method: not provided. Allele origin: germline. Inheritance: Autosomal recessive inheritance. Affected: yes.

PreventionGenetics, part of Exact Sciences
Classification: Benign for DNAH9-related condition. Last evaluated: 2019-07-16. Review status: no assertion criteria provided. Collection method: clinical testing. Allele origin: germline. Not counted in ClinVar's aggregate classification.
Comment: This variant is classified as benign based on ACMG/AMP sequence variant interpretation guidelines (Richards et al. 2015 PMID: 25741868, with internal and published modifications).

NM_001372.4(DNAH9):c.4518C>T (p.Asp1506=)

Gene: DNAH9 (dynein axonemal heavy chain 9; plus strand). Cytogenetic location: 17p12.
Variant type: single nucleotide variant.
Coding change: c.4518C>T on transcript NM_001372.4 (MANE Select); coding-DNA position 4518, C replaced by T.
Protein change: p.Asp1506=; no amino-acid change (aspartic acid 1506 retained).
Molecular consequence: synonymous variant.
Genome position (GRCh38, 1-based): chr17:11,690,340, C>T. VCF-style: chr17-11690340-C-T. GRCh37 (hg19) VCF-style: chr17-11593657-C-T.
Identifiers: ClinVar variation 777131 (VCV000777131.12), dbSNP rs61730178, ClinGen allele CA8395685.